The following is an entry in ClinVar:

NM_020911.2(PLXNA4):c.4201G>A (p.Ala1401Thr)

Gene: PLXNA4 (plexin A4; minus strand). Cytogenetic location: 7q32.3.
Variant type: single nucleotide variant.
Coding change: c.4201G>A on transcript NM_020911.2 (MANE Select); coding-DNA position 4201, G replaced by A.
Protein change: p.Ala1401Thr; replaces alanine 1401 with threonine.
Molecular consequence: missense variant.
Genome position (GRCh38, 1-based): chr7:132,168,389, C>T on the plus strand (G>A on the coding strand, the complement: PLXNA4 is on the minus strand). VCF-style: chr7-132168389-C-T. GRCh37 (hg19) VCF-style: chr7-131853148-C-T.
Other names: c.4201G>A, p.Ala1401Thr (NM_001393897.1); short protein forms A1401T.
Identifiers: ClinVar variation 2658000 (VCV002658000.24), dbSNP rs73155258, ClinGen allele CA4489258.

ClinVar aggregate classification (germline): Likely benign (1 of 4 stars; one submission).

Allele frequency attached by ClinVar (database versions not stated): 1000 Genomes Project 0.00040; 1000 Genomes Project 30x 0.00047; TOPMed 0.00099; ESP Exome Variant Server 0.00161; gnomAD exomes 0.00165; ExAC 0.00245; gnomAD 0.00245.
gnomAD v4.1: 2,741 of 1,613,084 alleles (0.17%); highest among the groups gnomAD compares: Non-Finnish European, 0.14%; 6 homozygotes.

Submission:

CeGaT Center for Human Genetics Tuebingen
Classification: Likely benign. Last evaluated: 2023-03-01. Review status: criteria provided, single submitter. Criteria: CeGaT Center For Human Genetics Tuebingen Variant Classification Criteria Version 2. Collection method: clinical testing. Allele origin: germline. Affected: yes. Observed: 1 variant allele.
Comment: PLXNA4: PP2, BS2